The following is an entry in ClinVar:

ClinVar aggregate classification (germline): Uncertain significance (1 of 4 stars; one submission).

Conditions:
Spastic paraplegia. Identifiers: MedGen C0037772, HP:0001258.

Allele frequency attached by ClinVar (database versions not stated): gnomAD exomes below 0.00001; gnomAD 0.00002; TOPMed 0.00001.
gnomAD v4.1: 5 of 1,613,610 alleles (0.00031%); highest among the groups gnomAD compares: African/African-American, 0.0067%; no homozygotes.

Submission:

Labcorp Genetics (formerly Invitae), Labcorp
Classification: Uncertain significance for Spastic paraplegia. Last evaluated: 2022-07-12. Review status: criteria provided, single submitter. Criteria: Invitae Variant Classification Sherloc (09022015). Collection method: clinical testing. Allele origin: germline.
Comment: This variant has not been reported in the literature in individuals affected with CYP7B1-related conditions. ClinVar contains an entry for this variant (Variation ID: 458230). Algorithms developed to predict the effect of missense changes on protein structure and function (SIFT, PolyPhen-2, Align-GVGD) all suggest that this variant is likely to be tolerated. In summary, the available evidence is currently insufficient to determine the role of this variant in disease. Therefore, it has been classified as a Variant of Uncertain Significance. This variant is present in population databases (no rsID available, gnomAD 0.007%). This sequence change replaces leucine, which is neutral and non-polar, with valine, which is neutral and non-polar, at codon 180 of the CYP7B1 protein (p.Leu180Val).

NM_004820.5(CYP7B1):c.538C>G (p.Leu180Val)

Gene: CYP7B1 (cytochrome P450 family 7 subfamily B member 1; minus strand). Cytogenetic location: 8q12.3.
Variant type: single nucleotide variant.
Coding change: c.538C>G on transcript NM_004820.5 (MANE Select); coding-DNA position 538, C replaced by G.
Protein change: p.Leu180Val; replaces leucine 180 with valine.
Molecular consequence: missense variant.
Genome position (GRCh38, 1-based): chr8:64,616,003, G>C on the plus strand (C>G on the coding strand, the complement: CYP7B1 is on the minus strand). VCF-style: chr8-64616003-G-C. GRCh37 (hg19) VCF-style: chr8-65528560-G-C.
Other names: c.538C>G, p.Leu180Val (NM_001324112.2); short protein forms L180V.
Identifiers: ClinVar variation 458230 (VCV000458230.8), dbSNP rs1298248066, ClinGen allele CA371335527.